The following is an entry in ClinVar:

ClinVar aggregate classification (germline): Uncertain significance. Review status: criteria provided, multiple submitters, no conflicts (2 of 4 stars). 5 submissions from 5 submitters: Uncertain significance (5). Last evaluated 2026-01-11.

Conditions:
Colorectal cancer, susceptibility to, 12 (CRCS12). Also called: COLORECTAL CANCER, SUSCEPTIBILITY TO, ON CHROMOSOME 12q24. Identifiers: Orphanet 220460, MedGen C3554460, MONDO:0014038, OMIM 615083.
Facial dysmorphism-immunodeficiency-livedo-short stature syndrome. Also called: Facial dysmorphism, immunodeficiency, livedo, and short stature; FILS syndrome. Identifiers: Orphanet 352712, MedGen C3554576, MONDO:0014058, OMIM 615139.
Intrauterine growth retardation, metaphyseal dysplasia, adrenal hypoplasia congenita, genital anomalies, and immunodeficiency. Also called: IMAGEI SYNDROME. Identifiers: MedGen C5193036, MONDO:0032684, OMIM 618336.
Hereditary cancer-predisposing syndrome. Also called: Hereditary neoplastic syndrome; Tumor predisposition; Hereditary Cancer Syndrome; Neoplastic Syndromes, Hereditary. Identifiers: Orphanet 140162, MedGen C0027672, MeSH D009386, MONDO:0015356.

Allele frequency attached by ClinVar (database versions not stated): gnomAD exomes 0.00001 and 0.00002; ExAC 0.00002; gnomAD 0.00002; TOPMed 0.00005; ESP Exome Variant Server 0.00015.

Submissions (5):

Labcorp Genetics (formerly Invitae), Labcorp
Classification: Uncertain significance. Last evaluated: 2026-01-11. Review status: criteria provided, single submitter. Criteria: Invitae Variant Classification Sherloc (09022015). Collection method: clinical testing. Allele origin: germline.
Comment: This sequence change replaces histidine, which is basic and polar, with tyrosine, which is neutral and polar, at codon 242 of the POLE protein (p.His242Tyr). This variant is present in population databases (rs148525573, gnomAD 0.01%). This variant has not been reported in the literature in individuals affected with POLE-related conditions. ClinVar contains an entry for this variant (Variation ID: 221119). Invitae Evidence Modeling of protein sequence and biophysical properties (such as structural, functional, and spatial information, amino acid conservation, physicochemical variation, residue mobility, and thermodynamic stability) indicates that this missense variant is not expected to disrupt POLE protein function with a negative predictive value of 80%. In summary, the available evidence is currently insufficient to determine the role of this variant in disease. Therefore, it has been classified as a Variant of Uncertain Significance.

Ambry Genetics
Classification: Uncertain significance for Hereditary cancer-predisposing syndrome. Last evaluated: 2024-12-13. Review status: criteria provided, single submitter. Criteria: Ambry Variant Classification Scheme 2023. Collection method: clinical testing. Allele origin: germline.
Comment: The p.H242Y variant (also known as c.724C>T), located in coding exon 8 of the POLE gene, results from a C to T substitution at nucleotide position 724. The histidine at codon 242 is replaced by tyrosine, an amino acid with similar properties. This amino acid position is highly conserved in available vertebrate species. In addition, this alteration is predicted to be tolerated by in silico analysis. Based on the available evidence, the clinical significance of this variant remains unclear.

GeneDx
Classification: Uncertain significance. Last evaluated: 2024-09-01. Review status: criteria provided, single submitter. Criteria: GeneDx Variant Classification Process June 2021. Collection method: clinical testing. Allele origin: germline. Affected: yes.
Comment: In silico analysis supports that this missense variant does not alter protein structure/function; Has not been previously published as pathogenic or benign to our knowledge; This variant is associated with the following publications: (PMID: 26251183)

Fulgent Genetics
Classification: Uncertain significance for Colorectal cancer, susceptibility to, 12; Facial dysmorphism-immunodeficiency-livedo-short stature syndrome; Intrauterine growth retardation, metaphyseal dysplasia, adrenal hypoplasia congenita, genital anomalies, and immunodeficiency. Last evaluated: 2024-05-19. Review status: criteria provided, single submitter. Criteria: ACMG Guidelines, 2015. Collection method: clinical testing. Allele origin: germline.

Sema4
Classification: Uncertain significance for Hereditary cancer-predisposing syndrome. Last evaluated: 2021-04-21. Review status: criteria provided, single submitter. Criteria: Sema4 Curation Guidelines. Collection method: curation. Allele origin: germline.
Comment: To the best of our knowledge, the POLE c.724C>T (p.H242Y) variant has not been reported in individuals with POLE-related disease. This variant was observed in 2/16254 chromosomes in the African population according to the Genome Aggregation Database (PMID: 32461654) and has been reported in ClinVar (Variation ID: 221119). In silico tools suggest the impact of the variant on protein function is inconclusive, though these predictions have not been confirmed by functional studies. Based on the current evidence available, this variant is interpreted as a variant of uncertain significance.

NM_006231.4(POLE):c.724C>T (p.His242Tyr)

Gene: POLE (DNA polymerase epsilon, catalytic subunit; minus strand). Cytogenetic location: 12q24.33.
Variant type: single nucleotide variant.
Coding change: c.724C>T on transcript NM_006231.4 (MANE Select); coding-DNA position 724, C replaced by T.
Protein change: p.His242Tyr; replaces histidine 242 with tyrosine.
Molecular consequence: missense variant.
Genome position (GRCh38, 1-based): chr12:132,677,440, G>A on the plus strand (C>T on the coding strand, the complement: POLE is on the minus strand). VCF-style: chr12-132677440-G-A. GRCh37 (hg19) VCF-style: chr12-133254026-G-A.
Other names: short protein forms H242Y.
Identifiers: ClinVar variation 221119 (VCV000221119.20), dbSNP rs148525573, ClinGen allele CA350497.
Genomic context (GRCh38, chr12:132,677,440, plus strand): 5'-CATCTCGGCGGGTGATTTCTACCGGAAAAGCATTTCCTCGGTATCTGACATTGTACCAAT[G>A]AGCCTGCAAAACACACAGTGTGCTAACTAGAGTTCTACATCCAGGAAAGTCTATTCTTCT-3'
Protein context (NP_006222.2, residues 232-252): LSIDLKIHVA[His242Tyr]WYNVRYRGNA